The following is an entry in ClinVar:

NM_004082.5(DCTN1):c.2354G>A (p.Arg785Gln)

Gene: DCTN1 (dynactin subunit 1; minus strand). Cytogenetic location: 2p13.1.
Variant type: single nucleotide variant.
Coding change: c.2354G>A on transcript NM_004082.5 (MANE Select); coding-DNA position 2354, G replaced by A.
Protein change: p.Arg785Gln; replaces arginine 785 with glutamine.
Molecular consequence: missense variant. On other transcripts: non-coding transcript variant (1).
Genome position (GRCh38, 1-based): chr2:74,366,895, C>T on the plus strand (G>A on the coding strand, the complement: DCTN1 is on the minus strand). VCF-style: chr2-74366895-C-T. GRCh37 (hg19) VCF-style: chr2-74594022-C-T.
Other names: c.2294G>A, p.Arg765Gln (NM_001135040.3); c.1952G>A, p.Arg651Gln (NM_001135041.3, NM_023019.4); c.2243G>A, p.Arg748Gln (NM_001190836.2); c.2333G>A, p.Arg778Gln (NM_001190837.2); c.2303G>A, p.Arg768Gln (NM_001378991.1); c.2285G>A, p.Arg762Gln (NM_001378992.1); short protein forms R748Q, R762Q, R768Q, R785Q, R651Q, R765Q, R778Q.
Identifiers: ClinVar variation 2072363 (VCV002072363.4), dbSNP rs72466492, ClinGen allele CA50475118.

ClinVar aggregate classification (germline): Uncertain significance (1 of 4 stars; one submission).

Conditions:
Perry syndrome. Also called: PARKINSONISM WITH ALVEOLAR HYPOVENTILATION AND MENTAL DEPRESSION. Identifiers: Orphanet 178509, MedGen C1868594, MONDO:0008201, OMIM 168605.
Amyotrophic lateral sclerosis type 1 (ALS1). Also called: AMYOTROPHIC LATERAL SCLEROSIS 1, FAMILIAL. Identifiers: Orphanet 803, MedGen C1862939, MONDO:0007103, OMIM 105400.
Neuronopathy, distal hereditary motor, type 7B. Also called: HMN VIIB; LOWER MOTOR NEURON DISEASE, DYNACTIN TYPE; Distal Hereditary Motor Neuronopathy Type 7B (dHMN7B); NEURONOPATHY, DISTAL HEREDITARY MOTOR, AUTOSOMAL DOMINANT 14; NEURONOPATHY, DISTAL HEREDITARY MOTOR, HARDING TYPE VIIB; NEUROPATHY, DISTAL HEREDITARY MOTOR, HARDING TYPE VIIB. Identifiers: Orphanet 139589, MedGen C1843315, MONDO:0011879, OMIM 607641.

Allele frequency attached by ClinVar (database versions not stated): gnomAD exomes below 0.00001.
gnomAD v4.1: 1 of 1,614,184 alleles (0.000062%); highest among the groups gnomAD compares: Non-Finnish European, 0.000085%; no homozygotes.

Submission:

Labcorp Genetics (formerly Invitae), Labcorp
Classification: Uncertain significance for Amyotrophic lateral sclerosis type 1; Neuronopathy, distal hereditary motor, type 7B; Perry syndrome. Last evaluated: 2025-10-13. Review status: criteria provided, single submitter. Criteria: Invitae Variant Classification Sherloc (09022015). Collection method: clinical testing. Allele origin: germline.
Comment: This sequence change replaces arginine, which is basic and polar, with glutamine, which is neutral and polar, at codon 785 of the DCTN1 protein (p.Arg785Gln). This variant is not present in population databases (gnomAD no frequency). This missense change has been observed in individual(s) with Parkinson disease (PMID: 19506225). ClinVar contains an entry for this variant (Variation ID: 2072363). Invitae Evidence Modeling of protein sequence and biophysical properties (such as structural, functional, and spatial information, amino acid conservation, physicochemical variation, residue mobility, and thermodynamic stability) indicates that this missense variant is not expected to disrupt DCTN1 protein function with a negative predictive value of 95%. In summary, the available evidence is currently insufficient to determine the role of this variant in disease. Therefore, it has been classified as a Variant of Uncertain Significance.

Literature cited by the submitters: PubMed 19506225.